The following is an entry in ClinVar:

ClinVar aggregate classification (germline): Uncertain significance (1 of 4 stars; one submission).

Conditions:
CHARGE syndrome (CHARGE). Also called: Hittner Hirsch Kreh syndrome; CHARGE ASSOCIATION--COLOBOMA, HEART ANOMALY, CHOANAL ATRESIA, RETARDATION, GENITAL AND EAR ANOMALIES; Coloboma, heart anomaly, choanal atresia, retardation, genital and ear anomalies; CHARGE association; Hall-Hittner syndrome. Identifiers: Orphanet 138, MedGen C0265354, MONDO:0008965.

Submission:

Labcorp Genetics (formerly Invitae), Labcorp
Classification: Uncertain significance for CHARGE syndrome. Last evaluated: 2025-06-12. Review status: criteria provided, single submitter. Criteria: Invitae Variant Classification Sherloc (09022015). Collection method: clinical testing. Allele origin: germline.
Comment: This sequence change replaces serine, which is neutral and polar, with leucine, which is neutral and non-polar, at codon 1158 of the CHD7 protein (p.Ser1158Leu). This variant is not present in population databases (gnomAD no frequency). This variant has not been reported in the literature in individuals affected with CHD7-related conditions. Invitae Evidence Modeling of protein sequence and biophysical properties (such as structural, functional, and spatial information, amino acid conservation, physicochemical variation, residue mobility, and thermodynamic stability) indicates that this missense variant is expected to disrupt CHD7 protein function with a positive predictive value of 95%. In summary, the available evidence is currently insufficient to determine the role of this variant in disease. Therefore, it has been classified as a Variant of Uncertain Significance.

NM_017780.4(CHD7):c.3473C>T (p.Ser1158Leu)

Gene: CHD7 (chromodomain helicase DNA binding protein 7; plus strand). Cytogenetic location: 8q12.2.
Variant type: single nucleotide variant.
Coding change: c.3473C>T on transcript NM_017780.4 (MANE Select); coding-DNA position 3473, C replaced by T.
Protein change: p.Ser1158Leu; replaces serine 1158 with leucine.
Molecular consequence: missense variant. On other transcripts: intron variant (1).
Genome position (GRCh38, 1-based): chr8:60,828,757, C>T. VCF-style: chr8-60828757-C-T. GRCh37 (hg19) VCF-style: chr8-61741316-C-T.
Other names: c.1717-33472C>T (NM_001316690.1); short protein forms S1158L.
Identifiers: ClinVar variation 4746292 (VCV004746292.1).